The following is an entry in ClinVar:

ClinVar aggregate classification (germline): Uncertain significance (1 of 4 stars; one submission).

Allele frequency attached by ClinVar (database versions not stated): gnomAD exomes below 0.00001.
gnomAD v4.1: 1 of 1,612,898 alleles (0.000062%); highest among the groups gnomAD compares: Non-Finnish European, 0.000085%; no homozygotes.

Submission:

GeneDx
Classification: Uncertain significance. Last evaluated: 2016-02-03. Review status: criteria provided, single submitter. Criteria: GeneDx Variant Classification (06012015). Collection method: clinical testing. Allele origin: germline. Affected: yes.
Comment: A variant of uncertain significance has been identified in the CNTNAP2 gene. The V924L variant has not been published as a pathogenic variant, nor has it been reported as a benign variant to our knowledge. It was not observed in approximately 6,500 individuals of European and African American ancestry in the NHLBI Exome Sequencing Project, indicating it is not a common benign variant in these populations. The V924L variant is a conservative amino acid substitution, which is not likely to impact secondary protein structure as these residues share similar properties. However, this substitution occurs at a position that is conserved across species. In silico analysis is inconsistent in its predictions as to whether or not the variant is damaging to the protein structure/function. Therefore, based on the currently available information, it is unclear whether this variant is a pathogenic variant or a rare benign variant.

NM_014141.6(CNTNAP2):c.2770G>C (p.Val924Leu)

Gene: CNTNAP2 (contactin associated protein 2; plus strand). Cytogenetic location: 7q35.
Variant type: single nucleotide variant.
Coding change: c.2770G>C on transcript NM_014141.6 (MANE Select); coding-DNA position 2770, G replaced by C.
Protein change: p.Val924Leu; replaces valine 924 with leucine.
Molecular consequence: missense variant.
Genome position (GRCh38, 1-based): chr7:148,147,706, G>C. VCF-style: chr7-148147706-G-C. GRCh37 (hg19) VCF-style: chr7-147844798-G-C.
Other names: short protein forms V924L.
Identifiers: ClinVar variation 420392 (VCV000420392.2), dbSNP rs1064794451, ClinGen allele CA16618384.